The following is an entry in ClinVar:

NM_000492.4(CFTR):c.1016C>T (p.Thr339Ile)

Gene: CFTR (CF transmembrane conductance regulator; plus strand). Cytogenetic location: 7q31.2.
Variant type: single nucleotide variant.
Coding change: c.1016C>T on transcript NM_000492.4 (MANE Select); coding-DNA position 1016, C replaced by T.
Protein change: p.Thr339Ile; replaces threonine 339 with isoleucine.
Molecular consequence: missense variant.
Genome position (GRCh38, 1-based): chr7:117,540,246, C>T. VCF-style: chr7-117540246-C-T. GRCh37 (hg19) VCF-style: chr7-117180300-C-T.
Other names: short protein forms T339I.
Identifiers: ClinVar variation 4868834 (VCV004868834.1).

ClinVar aggregate classification (germline): Uncertain significance (1 of 4 stars; one submission).

Conditions:
Cystic fibrosis (CF). Also called: MUCOVISCIDOSIS. Identifiers: Orphanet 586, MedGen C0010674, MONDO:0009061, OMIM 219700. Disease mechanism: loss of function.

Submission:

Ambry Genetics
Classification: Uncertain significance for Cystic fibrosis. Last evaluated: 2026-04-08. Review status: criteria provided, single submitter. Criteria: Ambry Variant Classification Scheme 2023. Collection method: clinical testing. Allele origin: germline.
Comment: The p.T339I variant (also known as c.1016C>T), located in coding exon 8 of the CFTR gene, results from a C to T substitution at nucleotide position 1016. The threonine at codon 339 is replaced by isoleucine, an amino acid with similar properties. This amino acid position is conserved. In addition, the in silico prediction for this alteration is inconclusive. Based on the available evidence, the clinical significance of this variant remains unclear.